The following is an entry in ClinVar:

NM_005245.4(FAT1):c.2426A>G (p.His809Arg)

Gene: FAT1 (FAT atypical cadherin 1; minus strand). Cytogenetic location: 4q35.2.
Variant type: single nucleotide variant.
Coding change: c.2426A>G on transcript NM_005245.4 (MANE Select); coding-DNA position 2426, A replaced by G.
Protein change: p.His809Arg; replaces histidine 809 with arginine.
Molecular consequence: missense variant.
Genome position (GRCh38, 1-based): chr4:186,707,402, T>C on the plus strand (A>G on the coding strand, the complement: FAT1 is on the minus strand). VCF-style: chr4-186707402-T-C. GRCh37 (hg19) VCF-style: chr4-187628556-T-C.
Other names: c.2426A>G (NM_005245.3); short protein forms H809R.
Identifiers: ClinVar variation 2063763 (VCV002063763.28), dbSNP rs201850668, ClinGen allele CA3167261.
Genomic context (GRCh38, chr4:186,707,402, plus strand): 5'-ACAAAATAGCTCTCCTGTAAAAACTCGGGTGGATTATCATTGGCATCGACAACCACGACA[T>C]GTAGAAGACGCCACGCAGCCTTCTGGGGTATCCCAAGGTCATAGACGGTAATATTCAGGG-3'
Protein context (NP_005236.2, residues 799-819): IPQKAAWRLL[His809Arg]VVVVDANDNP

ClinVar aggregate classification (germline): Conflicting classifications of pathogenicity. Review status: criteria provided, conflicting classifications (1 of 4 stars). 3 submissions from 3 submitters: Uncertain significance (1); Benign (1); Likely benign (1). Last evaluated 2025-07-06.

Allele frequency attached by ClinVar (database versions not stated): gnomAD exomes 0.00030; gnomAD 0.00035; TOPMed 0.00039; ExAC 0.00050; ESP Exome Variant Server 0.00073.
gnomAD v4.1: 528 of 1,614,020 alleles (0.033%); highest among the groups gnomAD compares: Middle Eastern, 0.16%; 3 homozygotes.

Submissions (3):

Labcorp Genetics (formerly Invitae), Labcorp
Classification: Benign. Last evaluated: 2025-07-06. Review status: criteria provided, single submitter. Criteria: Invitae Variant Classification Sherloc (09022015). Collection method: clinical testing. Allele origin: germline.

GeneDx
Classification: Uncertain significance. Last evaluated: 2025-03-10. Review status: criteria provided, single submitter. Criteria: GeneDx Variant Classification Process June 2021. Collection method: clinical testing. Allele origin: germline. Affected: yes.
Comment: In silico analysis indicates that this missense variant does not alter protein structure/function; Has not been previously published as pathogenic or benign to our knowledge

CeGaT Center for Human Genetics Tuebingen
Classification: Likely benign. Last evaluated: 2024-11-01. Review status: criteria provided, single submitter. Criteria: CeGaT Center For Human Genetics Tuebingen Variant Classification Criteria Version 2. Collection method: clinical testing. Allele origin: germline. Affected: yes. Observed: 2 variant alleles.
Comment: FAT1: BP4, BS1